The following is an entry in ClinVar:

ClinVar aggregate classification (germline): Uncertain significance (1 of 4 stars; one submission).

Conditions:
Hereditary cancer-predisposing syndrome. Also called: Neoplastic Syndromes, Hereditary; Tumor predisposition; Hereditary neoplastic syndrome; Hereditary Cancer Syndrome. Identifiers: Orphanet 140162, MedGen C0027672, MeSH D009386, MONDO:0015356.
Cardiovascular phenotype. Identifiers: MedGen CN230736.

Submission:

Ambry Genetics
Classification: Uncertain significance for Cardiovascular phenotype; Hereditary cancer-predisposing syndrome. Last evaluated: 2018-08-24. Review status: criteria provided, single submitter. Criteria: Ambry Variant Classification Scheme 2023. Collection method: clinical testing. Allele origin: germline.
Comment: The p.K1611Q variant (also known as c.4831A>C), located in coding exon 36 of the NF1 gene, results from an A to C substitution at nucleotide position 4831. The lysine at codon 1611 is replaced by glutamine, an amino acid with similar properties. This amino acid position is highly conserved in available vertebrate species. In addition, the in silico prediction for this alteration is inconclusive. Since supporting evidence is limited at this time, the clinical significance of this alteration remains unclear.

NM_001042492.3(NF1):c.4894A>C (p.Lys1632Gln)

Gene: NF1 (neurofibromin 1; plus strand). Cytogenetic location: 17q11.2.
Variant type: single nucleotide variant.
Coding change: c.4894A>C on transcript NM_001042492.3 (MANE Select); coding-DNA position 4894, A replaced by C.
Protein change: p.Lys1632Gln; replaces lysine 1632 with glutamine.
Molecular consequence: missense variant.
Genome position (GRCh38, 1-based): chr17:31,325,878, A>C. VCF-style: chr17-31325878-A-C. GRCh37 (hg19) VCF-style: chr17-29652896-A-C.
Other names: c.4831A>C, p.Lys1611Gln (NM_000267.4); short protein forms K1611Q, K1632Q.
Identifiers: ClinVar variation 825217 (VCV000825217.4), dbSNP rs1597829604, ClinGen allele CA399007048.